The following is an entry in ClinVar:

NM_001267550.2(TTN):c.101075C>G (p.Pro33692Arg)

Genes: TTN (titin; minus strand), TTN-AS1 (TTN antisense RNA 1; plus strand). Cytogenetic location: 2q31.2.
Variant type: single nucleotide variant.
Coding change: c.101075C>G on transcript NM_001267550.2 (MANE Select); coding-DNA position 101075, C replaced by G.
Protein change: p.Pro33692Arg; replaces proline 33692 with arginine.
Molecular consequence: missense variant.
Genome position (GRCh38, 1-based): chr2:178,535,540, G>C on the plus strand (C>G on the coding strand, the complement: TTN is on the minus strand). VCF-style: chr2-178535540-G-C. GRCh37 (hg19) VCF-style: chr2-179400267-G-C.
Other names: c.96152C>G, p.Pro32051Arg (NM_001256850.1); c.73880C>G, p.Pro24627Arg (NM_003319.4); c.93371C>G, p.Pro31124Arg (NM_133378.4); c.74255C>G, p.Pro24752Arg (NM_133432.3); c.74456C>G, p.Pro24819Arg (NM_133437.4); short protein forms P24627R, P31124R, P32051R, P33692R, P24752R, P24819R.
Identifiers: ClinVar variation 2928129 (VCV002928129.3), dbSNP rs755832382, ClinGen allele CA1985934.

ClinVar aggregate classification (germline): Uncertain significance (1 of 4 stars; one submission).

Conditions:
Dilated cardiomyopathy 1G (CMD1G). Identifiers: Orphanet 154, MedGen C1858763, MONDO:0011400, OMIM 604145.
Autosomal recessive limb-girdle muscular dystrophy type 2J (LGMDR10). Also called: Limb-girdle muscular dystrophy, type 2J; MUSCULAR DYSTROPHY, LIMB-GIRDLE, AUTOSOMAL RECESSIVE 10. Identifiers: Orphanet 140922, MedGen C1837342, MONDO:0012127, OMIM 608807.

Allele frequency attached by ClinVar (database versions not stated): gnomAD exomes below 0.00001; ExAC 0.00001.
gnomAD v4.1: 1 of 1,613,828 alleles (0.000062%); highest among the groups gnomAD compares: Middle Eastern, 0.017%; no homozygotes.

Submission:

Labcorp Genetics (formerly Invitae), Labcorp
Classification: Uncertain significance for Dilated cardiomyopathy 1G; Autosomal recessive limb-girdle muscular dystrophy type 2J. Last evaluated: 2023-05-01. Review status: criteria provided, single submitter. Criteria: Invitae Variant Classification Sherloc (09022015). Collection method: clinical testing. Allele origin: germline.
Comment: This variant is located in the M band of TTN (PMID: 25589632). Variants in this region may be relevant for neuromuscular disorders, but have not been definitively shown to cause cardiomyopathy (PMID: 23975875). In summary, the available evidence is currently insufficient to determine the role of this variant in disease. Therefore, it has been classified as a Variant of Uncertain Significance. Experimental studies and prediction algorithms are not available or were not evaluated, and the functional significance of this variant is currently unknown. This variant has not been reported in the literature in individuals affected with TTN-related conditions. This variant is present in population databases (rs755832382, gnomAD no frequency). This sequence change replaces proline, which is neutral and non-polar, with arginine, which is basic and polar, at codon 33692 of the TTN protein (p.Pro33692Arg).

Literature cited by the submitters: PubMed 25589632; PubMed 23975875.